The following is an entry in ClinVar:

NM_152564.5(VPS13B):c.3400dup (p.Leu1134fs)

Gene: VPS13B (vacuolar protein sorting 13 homolog B; plus strand). Cytogenetic location: 8q22.2.
Variant type: Duplication.
Coding change: c.3400dup on transcript NM_152564.5 (MANE Select); coding-DNA position 3400, one base duplicated (C; older notation c.3400dupC).
Protein change: p.Leu1134fs; shifts the reading frame from leucine 1134.
Molecular consequence: frameshift variant.
Genome position (GRCh38, 1-based): chr8:99,442,590, C duplicated. VCF-style (leftmost placement, unchanged base first): chr8-99442589-T-TC. GRCh37 (hg19) VCF-style: chr8-100454817-T-TC.
Other names: c.3400dup, p.Leu1134fs (NM_017890.5); short protein forms L1134fs.
Identifiers: ClinVar variation 3775445 (VCV003775445.1).

ClinVar aggregate classification (germline): Pathogenic (1 of 4 stars; one submission).

Conditions:
Cohen syndrome (COH1). Also called: PEPPER SYNDROME; Cutis verticis gyrata, retinitis pigmentosa, and sensorineural deafness. Identifiers: Orphanet 193, MedGen C0265223, MONDO:0008999, OMIM 216550.

Submission:

3billion
Classification: Pathogenic for Cohen syndrome. Last evaluated: 2023-08-08. Review status: criteria provided, single submitter. Criteria: ACMG Guidelines, 2015. Collection method: clinical testing. Allele origin: germline. Affected: yes.
Comment: The variant is not observed in the gnomAD v2.1.1 dataset. Predicted Consequence/Location: Frameshift: predicted to result in a loss or disruption of normal protein function through nonsense-mediated decay (NMD) or protein truncation. Multiple pathogenic variants are reported downstream of the variant. Therefore, this variant is classified as Pathogenic according to the recommendation of ACMG/AMP guideline.